The following is an entry in ClinVar:

NM_145239.3(PRRT2):c.429C>G (p.Asp143Glu)

Genes: MVP-DT (MVP divergent transcript; minus strand), PRRT2 (proline rich transmembrane protein 2; plus strand). Cytogenetic location: 16p11.2.
Variant type: single nucleotide variant.
Coding change: c.429C>G on transcript NM_145239.3 (MANE Select); coding-DNA position 429, C replaced by G.
Protein change: p.Asp143Glu; replaces aspartic acid 143 with glutamic acid.
Molecular consequence: missense variant.
Genome position (GRCh38, 1-based): chr16:29,813,483, C>G. VCF-style: chr16-29813483-C-G. GRCh37 (hg19) VCF-style: chr16-29824804-C-G.
Other names: c.429C>G, p.Asp143Glu (NM_001256442.2, NM_001256443.2); short protein forms D143E.
Identifiers: ClinVar variation 1312389 (VCV001312389.3), dbSNP rs2142424416, ClinGen allele CA395478655.

ClinVar aggregate classification (germline): Uncertain significance (1 of 4 stars; one submission).

Submission:

GeneDx
Classification: Uncertain significance. Last evaluated: 2022-04-14. Review status: criteria provided, single submitter. Criteria: GeneDx Variant Classification Process June 2021. Collection method: clinical testing. Allele origin: germline. Affected: yes.
Comment: Not observed at significant frequency in large population cohorts (gnomAD); In silico analysis supports that this missense variant does not alter protein structure/function; Has not been previously published as pathogenic or benign to our knowledge